The following is an entry in ClinVar:

ClinVar aggregate classification (germline): Uncertain significance (1 of 4 stars; one submission).

Allele frequency attached by ClinVar (database versions not stated): gnomAD exomes below 0.00001; TOPMed 0.00005; gnomAD 0.00007; ExAC 0.00008.

Submission:

Labcorp Genetics (formerly Invitae), Labcorp
Classification: Uncertain significance. Last evaluated: 2022-12-20. Review status: criteria provided, single submitter. Criteria: Invitae Variant Classification Sherloc (09022015). Collection method: clinical testing. Allele origin: germline.
Comment: In summary, the available evidence is currently insufficient to determine the role of this variant in disease. Therefore, it has been classified as a Variant of Uncertain Significance. Variants that disrupt the consensus splice site are a relatively common cause of aberrant splicing (PMID: 17576681, 9536098). This variant has not been reported in the literature in individuals affected with EEF2-related conditions. This variant is present in population databases (rs759454130, gnomAD 0.03%). This sequence change falls in intron 7 of the EEF2 gene. It does not directly change the encoded amino acid sequence of the EEF2 protein. It affects a nucleotide within the consensus splice site.

Literature cited by the submitters: PubMed 17576681; PubMed 9536098.

NM_001961.4(EEF2):c.1012-2dup

Gene: EEF2 (eukaryotic translation elongation factor 2; minus strand). Cytogenetic location: 19p13.3.
Variant type: Duplication.
Coding change: c.1012-2dup on transcript NM_001961.4 (MANE Select); the canonical splice acceptor site of the intron before coding-DNA position 1012, one base duplicated (A; older notation c.1012-2dupA).
Molecular consequence: splice acceptor variant.
Genome position (GRCh38, 1-based): chr19:3,980,981, T duplicated on the plus strand (A on the coding strand, the reverse complement: EEF2 is on the minus strand). VCF-style (leftmost placement, unchanged base first): chr19-3980980-C-CT. GRCh37 (hg19) VCF-style: chr19-3980978-C-CT.
Identifiers: ClinVar variation 2968241 (VCV002968241.3), dbSNP rs759454130, ClinGen allele CA9089032.